The following is an entry in ClinVar:

NM_000179.3(MSH6):c.156G>A (p.Glu52=)

Gene: MSH6 (mutS homolog 6; plus strand). Cytogenetic location: 2p16.3.
Variant type: single nucleotide variant.
Coding change: c.156G>A on transcript NM_000179.3 (MANE Select); coding-DNA position 156, G replaced by A.
Protein change: p.Glu52=; no amino-acid change (glutamic acid 52 retained).
Molecular consequence: synonymous variant. On other transcripts: 5 prime UTR variant (1).
Genome position (GRCh38, 1-based): chr2:47,783,389, G>A. VCF-style: chr2-47783389-G-A. GRCh37 (hg19) VCF-style: chr2-48010528-G-A.
Other names: c.156G>A, p.Glu52= (NM_001281492.2); c.-581G>A (NM_001281493.2).
Identifiers: ClinVar variation 455147 (VCV000455147.15), dbSNP rs1553408285, ClinGen allele CA346734954.

ClinVar aggregate classification (germline): Benign/Likely benign. Review status: criteria provided, multiple submitters, no conflicts (2 of 4 stars). 3 submissions from 3 submitters: Benign (1); Likely benign (2). Last evaluated 2024-12-17.

Conditions:
Hereditary nonpolyposis colorectal neoplasms. Identifiers: MedGen C0009405, MeSH D003123.
Hereditary cancer-predisposing syndrome. Also called: Hereditary Cancer Syndrome; Hereditary neoplastic syndrome; Neoplastic Syndromes, Hereditary; Tumor predisposition. Identifiers: Orphanet 140162, MedGen C0027672, MeSH D009386, MONDO:0015356.
Lynch syndrome 5 (LYNCH5). Also called: Hereditary non-polyposis colorectal cancer, type 5; Colorectal cancer, hereditary nonpolyposis, type 5. Identifiers: Orphanet 144, MedGen C1833477, MONDO:0013710, OMIM 614350. Disease mechanism: loss of function.

Submissions (3):

Myriad Genetics, Inc.
Classification: Benign for Lynch syndrome 5. Last evaluated: 2024-12-17. Review status: criteria provided, single submitter. Criteria: Myriad Autosomal Dominant, Autosomal Recessive and X-Linked Classification Criteria (2023). Collection method: clinical testing. Allele origin: unknown.
Comment: This variant is considered benign. This variant is a silent/synonymous amino acid change and it is not expected to impact splicing.

Ambry Genetics
Classification: Likely benign for Hereditary cancer-predisposing syndrome. Last evaluated: 2022-09-26. Review status: criteria provided, single submitter. Criteria: Ambry Variant Classification Scheme 2023. Collection method: clinical testing. Allele origin: germline.

Labcorp Genetics (formerly Invitae), Labcorp
Classification: Likely benign for Hereditary nonpolyposis colorectal neoplasms. Last evaluated: 2021-12-25. Review status: criteria provided, single submitter. Criteria: Invitae Variant Classification Sherloc (09022015). Collection method: clinical testing. Allele origin: germline.